The following is an entry in ClinVar:

NM_000094.4(COL7A1):c.5053-5_5055dup

Gene: COL7A1 (collagen type VII alpha 1 chain; minus strand). Cytogenetic location: 3p21.31.
Variant type: Duplication.
Coding change: c.5053-5_5055dup on transcript NM_000094.4 (MANE Select); 5 bases into the intron before coding-DNA position 5053 through coding-DNA position 5055, 8 bases duplicated (TGCAGGGC; older notation c.5053-5_5055dupTGCAGGGC).
Molecular consequence: splice acceptor variant.
Genome position (GRCh38, 1-based): chr3:48,580,342-48,580,349, GCCCTGCA duplicated on the plus strand (TGCAGGGC on the coding strand, the reverse complement: COL7A1 is on the minus strand); duplicating any 8 consecutive bases within chr3:48,580,342-48,580,350 gives the same sequence; the c. name uses the placement nearest the transcript's 3' end. VCF-style (leftmost placement, unchanged base first): chr3-48580341-T-TGCCCTGCA. GRCh37 (hg19) VCF-style: chr3-48617774-T-TGCCCTGCA.
Identifiers: ClinVar variation 3062264 (VCV003062264.1), dbSNP rs2531080753, ClinGen allele CA2740094374.

ClinVar aggregate classification (germline): Likely pathogenic (1 of 4 stars; one submission).

Conditions:
Recessive dystrophic epidermolysis bullosa (RDEB). Also called: DYSTROPHIC EPIDERMOLYSIS BULLOSA, AUTOSOMAL RECESSIVE; EPIDERMOLYSIS BULLOSA DYSTROPHICA, HALLOPEAU-SIEMENS TYPE; Hallopeau-Siemens Disease; EPIDERMOLYSIS BULLOSA DYSTROPHICA, GENERALIZED SEVERE, AUTOSOMAL RECESSIVE; severe generalized recessive dystrophic epidermolysis bullosa; Epidermolysis Bullosa Distrophica Autosomal Recessive (RDEB). Identifiers: Orphanet 79408, Orphanet 79409, MedGen C0079474, MONDO:0009179, OMIM 226600.

Submission:

Molecular Genetics Department, Kulakov National Medical Research Center for Obstetrics, Gynecology and Perinatology
Classification: Likely pathogenic for Recessive dystrophic epidermolysis bullosa. Review status: criteria provided, single submitter. Criteria: ACMG Guidelines, 2015. Collection method: clinical testing. Allele origin: germline. Affected: yes.
Comment: A previously undescribed nucleotide variant creates a frameshift p.Ser1686CysfsTer27 in the COL7A1 gene. Homozygous and compound heterozygous variants are reported in patients with Epidermolysis bullosa dystrophica, autosomal recessive, 226600. The variant is not present in population database (gnomAD no frequency). In summary, the currently available evidence indicates that the variant is pathogenic, but additional data are needed to prove that conclusively. Therefore, this variant has been classified as likely pathogenic.